The following is an entry in ClinVar:

ClinVar aggregate classification (germline): Conflicting classifications of pathogenicity. Review status: criteria provided, conflicting classifications (1 of 4 stars). 2 submissions from 2 submitters: Likely pathogenic (1); Uncertain significance (1). Last evaluated 2023-09-08.

Conditions:
Ornithine carbamoyltransferase deficiency (OTCD). Also called: ORNITHINE TRANSCARBAMYLASE DEFICIENCY, HYPERAMMONEMIA DUE TO; Ornithine Carbamoyltransferase Deficiency Disease; ORNITHINE TRANSCARBAMYLASE DEFICIENCY; OTC DEFICIENCY. Identifiers: Orphanet 664, MedGen C0268542, MONDO:0010703, OMIM 311250.

Allele frequency attached by ClinVar (database versions not stated): ExAC 0.00001; gnomAD exomes 0.00001; 1000 Genomes Project 30x 0.00021; 1000 Genomes Project 0.00026.

Submissions (2):

Labcorp Genetics (formerly Invitae), Labcorp
Classification: Likely pathogenic for Ornithine carbamoyltransferase deficiency. Last evaluated: 2023-09-08. Review status: criteria provided, single submitter. Criteria: Invitae Variant Classification Sherloc (09022015). Collection method: clinical testing. Allele origin: germline.
Comment: This sequence change replaces serine, which is neutral and polar, with proline, which is neutral and non-polar, at codon 96 of the OTC protein (p.Ser96Pro). This variant is present in population databases (rs184053962, gnomAD 0.008%). This missense change has been observed in individual(s) with clinical features of OTC deficiency (PMID: 30175132). ClinVar contains an entry for this variant (Variation ID: 959988). Advanced modeling of protein sequence and biophysical properties (such as structural, functional, and spatial information, amino acid conservation, physicochemical variation, residue mobility, and thermodynamic stability) performed at Invitae indicates that this missense variant is expected to disrupt OTC protein function. This variant disrupts the p.Ser96 amino acid residue in OTC. Other variant(s) that disrupt this residue have been observed in individuals with OTC-related conditions (PMID: 17334707), which suggests that this may be a clinically significant amino acid residue. In summary, the currently available evidence indicates that the variant is pathogenic, but additional data are needed to prove that conclusively. Therefore, this variant has been classified as Likely Pathogenic.

Revvity Omics, Revvity
Classification: Uncertain significance for Ornithine carbamoyltransferase deficiency. Last evaluated: 2023-05-04. Review status: criteria provided, single submitter. Criteria: ACMG Guidelines, 2015. Collection method: clinical testing. Allele origin: germline.

Literature cited by the submitters: PubMed 30175132 (cited by Labcorp Genetics (formerly Invitae), Labcorp); PubMed 17334707 (cited by Labcorp Genetics (formerly Invitae), Labcorp).

NM_000531.6(OTC):c.286T>C (p.Ser96Pro)

Gene: OTC (ornithine transcarbamylase; plus strand). Cytogenetic location: Xp11.4.
Variant type: single nucleotide variant.
Coding change: c.286T>C on transcript NM_000531.6 (MANE Select); coding-DNA position 286, T replaced by C.
Protein change: p.Ser96Pro; replaces serine 96 with proline.
Molecular consequence: missense variant.
Genome position (GRCh38, 1-based): chrX:38,369,865, T>C. VCF-style: chrX-38369865-T-C. GRCh37 (hg19) VCF-style: chrX-38229118-T-C.
Other names: short protein forms S96P.
Identifiers: ClinVar variation 959988 (VCV000959988.12), dbSNP rs184053962, ClinGen allele CA10385818.